The following is an entry in ClinVar:

NM_000540.3(RYR1):c.14773GTCATC[1] (p.4925VI[1])

Gene: RYR1 (ryanodine receptor 1; plus strand). Cytogenetic location: 19q13.2.
Variant type: Microsatellite.
Coding change: c.14773GTCATC[1] on transcript NM_000540.3 (MANE Select); one copy of the 6-base unit GTCATC starting at c.14773; the reference has two copies in a row; one copy, 6 bases deleted.
Protein change: p.4925VI[1].
Molecular consequence: inframe deletion.
Genome position (GRCh38, 1-based): chr19:38,585,075-38,585,080, GTCATC deleted; deleting any 6 consecutive bases within chr19:38,585,067-38,585,080 gives the same sequence; the position shown is the placement nearest the transcript's 3' end. VCF-style (leftmost placement, unchanged base first): chr19-38585066-TTCGTCA-T. GRCh37 (hg19) VCF-style: chr19-39075706-TTCGTCA-T.
Other names: c.14758GTCATC[1], p.4920VI[1] (NM_001042723.2); c.14779_14784del6 (NM_000540.2).
Identifiers: ClinVar variation 66001 (VCV000066001.5), dbSNP rs193922893, ClinGen allele CA024253.

ClinVar aggregate classification (germline): Likely pathogenic. Review status: criteria provided, multiple submitters, no conflicts (2 of 4 stars). 4 submissions from 4 submitters: Likely pathogenic (2). 2 of the submissions do not count toward it. Last evaluated 2021-06-14.

Conditions:
RYR1-related disorder. Also called: RYR1-related disorders; RYR1-related condition. Identifiers: MedGen CN239331.
Central core myopathy (CMYO1A). Also called: CONGENITAL MYOPATHY 1A, AUTOSOMAL DOMINANT, WITH SUSCEPTIBILITY TO MALIGNANT HYPERTHERMIA; Central core disease; Myopathy, central fibrillar. Identifiers: Orphanet 597, MedGen C5830701, MONDO:0007294, OMIM 117000.

Submissions (4):

Blueprint Genetics
Classification: Likely pathogenic for RYR1-related disorders. Last evaluated: 2021-06-14. Review status: criteria provided, single submitter. Criteria: ACMG Guidelines, 2015. Collection method: clinical testing. Allele origin: germline. Affected: yes. Observed: 1 variant allele.

PreventionGenetics, part of Exact Sciences
Classification: Likely pathogenic. Last evaluated: 2017-09-15. Review status: criteria provided, single submitter. Criteria: ACMG Guidelines, 2015. Collection method: clinical testing. Allele origin: germline.

GeneReviews
Classification: Pathogenic for Central Core Disease. Last evaluated: 2010-05-11. Review status: no assertion criteria provided. Collection method: curation. Allele origin: unknown. Not counted in ClinVar's aggregate classification.
ClinVar note: Converted during submission from pathologic to Pathogenic.

RYR1 database
No classification provided. Review status: no classification provided. Collection method: not provided. Allele origin: unknown. Not counted in ClinVar's aggregate classification.